The following is an entry in ClinVar:

ClinVar aggregate classification (germline): Conflicting classifications of pathogenicity. Review status: criteria provided, conflicting classifications (1 of 4 stars). 4 submissions from 3 submitters: Likely pathogenic (2); Uncertain significance (1). 1 of the submissions does not count toward it. Last evaluated 2023-12-03.

Conditions:
Perrault syndrome 5 (PRLTS5). Identifiers: Orphanet 2855, MedGen C4015307, MONDO:0014504, OMIM 616138.
Infantile onset spinocerebellar ataxia (MTDPS7). Also called: OPHTHALMOPLEGIA, HYPOTONIA, ATAXIA, HYPOACUSIS, AND ATHETOSIS; SPINOCEREBELLAR ATAXIA, INFANTILE, WITH SENSORY NEUROPATHY; Mitochondrial DNA depletion syndrome 7 (hepatocerebral type); OHAHA SYNDROME. Identifiers: Orphanet 1186, MedGen C1849096, MONDO:0010060, OMIM 271245.

gnomAD v4.1: 11 of 1,613,844 alleles (0.00068%); highest among the groups gnomAD compares: Non-Finnish European, 0.00093%; no homozygotes.

Submissions (4):

Kariminejad - Najmabadi Pathology & Genetics Center
Classification: Likely pathogenic for Infantile onset spinocerebellar ataxia. Last evaluated: 2023-12-03. Review status: criteria provided, single submitter. Criteria: ACMG Guidelines, 2015. Collection method: clinical testing. Allele origin: germline. Inheritance: Autosomal recessive inheritance. Affected: yes.
Comment: PM2, PM3, PP2, PP3, PP5

Kariminejad - Najmabadi Pathology & Genetics Center
Classification: Likely pathogenic for Perrault syndrome 5. Last evaluated: 2022-11-04. Review status: criteria provided, single submitter. Criteria: ACMG Guidelines, 2015. Collection method: clinical testing. Allele origin: germline. Inheritance: Autosomal recessive inheritance. Affected: yes.
Comment: [PM2 PP3 PP2]+PM1??

Labcorp Genetics (formerly Invitae), Labcorp
Classification: Uncertain significance. Last evaluated: 2022-01-04. Review status: criteria provided, single submitter. Criteria: Invitae Variant Classification Sherloc (09022015). Collection method: clinical testing. Allele origin: germline.
Comment: In summary, the available evidence is currently insufficient to determine the role of this variant in disease. Therefore, it has been classified as a Variant of Uncertain Significance. Advanced modeling of protein sequence and biophysical properties (such as structural, functional, and spatial information, amino acid conservation, physicochemical variation, residue mobility, and thermodynamic stability) performed at Invitae indicates that this missense variant is expected to disrupt TWNK protein function. ClinVar contains an entry for this variant (Variation ID: 488187). This missense change has been observed in individual(s) with clinical features of TWNK-related conditions (PMID: 29302074, 31823625). This variant is not present in population databases (gnomAD no frequency). This sequence change replaces proline, which is neutral and non-polar, with threonine, which is neutral and polar, at codon 292 of the TWNK protein (p.Pro292Thr).

Noncommunicable Diseases Research Center, Fasa University of Medical Sciences
Classification: Pathogenic for Perrault syndrome 5. Review status: no assertion criteria provided. Collection method: research. Allele origin: inherited. Inheritance: Autosomal recessive inheritance. Affected: yes. Observed: 1 variant allele, 1 homozygote. Not counted in ClinVar's aggregate classification.

Literature cited by the submitters: PubMed 29302074 (cited by Labcorp Genetics (formerly Invitae), Labcorp); PubMed 31823625 (cited by Labcorp Genetics (formerly Invitae), Labcorp).

NM_021830.5(TWNK):c.874C>A (p.Pro292Thr)

Gene: TWNK (twinkle mtDNA helicase; plus strand). Cytogenetic location: 10q24.31.
Variant type: single nucleotide variant.
Coding change: c.874C>A on transcript NM_021830.5 (MANE Select); coding-DNA position 874, C replaced by A.
Protein change: p.Pro292Thr; replaces proline 292 with threonine.
Molecular consequence: missense variant. On other transcripts: non-coding transcript variant (4), intron variant (3).
Genome position (GRCh38, 1-based): chr10:100,989,084, C>A. VCF-style: chr10-100989084-C-A. GRCh37 (hg19) VCF-style: chr10-102748841-C-A.
Other names: c.874C>A, p.Pro292Thr (NM_001163812.2); c.-119-560C>A (NM_001163814.2, NM_001163813.2); c.-57-622C>A (NM_001368275.1); short protein forms P292T.
Identifiers: ClinVar variation 488187 (VCV000488187.8), dbSNP rs759603316, ClinGen allele CA378208744.
Genomic context (GRCh38, chr10:100,989,084, plus strand): 5'-TTGAACCAGTCCACGGGGCTGCCTACCCTTACTCTACCCCGAGGAACGACCTGCTTACCC[C>A]CTGCCTTACTCCCTTACCTGGAACAGTTCCGGCGGATTGTATTCTGGTTGGGGGATGACC-3'
Protein context (NP_068602.2, residues 282-302): TLPRGTTCLP[Pro292Thr]ALLPYLEQFR